The following is an entry in ClinVar:

NM_152383.5(DIS3L2):c.426C>T (p.Pro142=)

Gene: DIS3L2 (DIS3 like 3'-5' exoribonuclease 2; plus strand). Cytogenetic location: 2q37.1.
Variant type: single nucleotide variant.
Coding change: c.426C>T on transcript NM_152383.5 (MANE Select); coding-DNA position 426, C replaced by T.
Protein change: p.Pro142=; no amino-acid change (proline 142 retained).
Molecular consequence: synonymous variant. On other transcripts: non-coding transcript variant (2).
Genome position (GRCh38, 1-based): chr2:232,087,546, C>T. VCF-style: chr2-232087546-C-T. GRCh37 (hg19) VCF-style: chr2-232952256-C-T.
Other names: p.Pro142=; c.426C>T, p.Pro142= (NM_001257281.2, NM_001257282.2).
Identifiers: ClinVar variation 241982 (VCV000241982.21), dbSNP rs73001172, ClinGen allele CA2163826.

ClinVar aggregate classification (germline): Benign/Likely benign. Review status: criteria provided, multiple submitters, no conflicts (2 of 4 stars). 8 submissions from 8 submitters: Benign (3); Likely benign (3). 2 of the submissions do not count toward it. Last evaluated 2026-02-03.

Conditions:
Perlman syndrome (PRLMNS). Identifiers: Orphanet 2849, MedGen C0796113, MONDO:0009965, OMIM 267000.

Allele frequency attached by ClinVar (database versions not stated): 1000 Genomes Project 30x 0.00468; 1000 Genomes Project 0.00479; TOPMed 0.00881; ExAC 0.01071; ESP Exome Variant Server 0.01129; gnomAD 0.01139 and 0.01166.
gnomAD v4.1: 21,851 of 1,613,892 alleles (1.4%); highest among the groups gnomAD compares: Non-Finnish European, 1.5%; 213 homozygotes.

Submissions (8):

Labcorp Genetics (formerly Invitae), Labcorp
Classification: Benign for Perlman syndrome. Last evaluated: 2026-02-03. Review status: criteria provided, single submitter. Criteria: Invitae Variant Classification Sherloc (09022015). Collection method: clinical testing. Allele origin: germline.

Mayo Clinic Laboratories, Mayo Clinic
Classification: Benign. Last evaluated: 2024-12-24. Review status: criteria provided, single submitter. Criteria: ACMG Guidelines, 2015. Collection method: clinical testing. Allele origin: germline. Observed: 5 variant alleles.
Comment: BA1, BP4, BP7

Blueprint Genetics
Classification: Likely benign. Last evaluated: 2024-11-26. Review status: criteria provided, single submitter. Criteria: ACMG Guidelines, 2015. Collection method: clinical testing. Allele origin: germline.

GeneDx
Classification: Likely benign. Last evaluated: 2020-10-23. Review status: criteria provided, single submitter. Criteria: GeneDx Variant Classification Process June 2021. Collection method: clinical testing. Allele origin: germline. Affected: yes.

Illumina Laboratory Services, Illumina
Classification: Benign for Perlman syndrome. Last evaluated: 2018-01-13. Review status: criteria provided, single submitter. Criteria: ICSL Variant Classification Criteria 13 December 2019. Collection method: clinical testing. Allele origin: germline.
Comment: This variant was observed in the ICSL laboratory as part of a predisposition screen in an ostensibly healthy population. It had not been previously curated by ICSL or reported in the Human Gene Mutation Database (HGMD: prior to June 1st, 2018), and was therefore a candidate for classification through an automated scoring system. Utilizing variant allele frequency, disease prevalence and penetrance estimates, and inheritance mode, an automated score was calculated to assess if this variant is too frequent to cause the disease. Based on the score and internal cut-off values, a variant classified as benign is not then subjected to further curation. The score for this variant resulted in a classification of benign for this disease.

Breakthrough Genomics
Classification: Likely benign. Review status: criteria provided, single submitter. Criteria: ACMG Guidelines, 2015. Collection method: not provided. Allele origin: germline. Inheritance: Autosomal recessive inheritance. Affected: yes.

Genome Diagnostics Laboratory, Amsterdam University Medical Center
Classification: Benign. Review status: no assertion criteria provided. Collection method: clinical testing. Allele origin: germline. Affected: yes. Study: VKGL Data-share Consensus. Not counted in ClinVar's aggregate classification.

Laboratory of Diagnostic Genome Analysis, Leiden University Medical Center (LUMC)
Classification: Benign. Review status: no assertion criteria provided. Collection method: clinical testing. Allele origin: germline. Affected: yes. Study: VKGL Data-share Consensus. Not counted in ClinVar's aggregate classification.